The following is an entry in ClinVar:

ClinVar aggregate classification (germline): Uncertain significance. Review status: criteria provided, multiple submitters, no conflicts (2 of 4 stars). 2 submissions from 2 submitters: Uncertain significance (2). Last evaluated 2024-12-14.

Conditions:
Inborn genetic diseases. Identifiers: MedGen C0950123, MeSH D030342.

Allele frequency attached by ClinVar (database versions not stated): gnomAD exomes 0.00001; TOPMed 0.00002.
gnomAD v4.1: 9 of 1,614,028 alleles (0.00056%); highest among the groups gnomAD compares: Admixed American, 0.01%; no homozygotes.

Submissions (2):

Ambry Genetics
Classification: Uncertain significance for Inborn genetic diseases. Last evaluated: 2024-12-14. Review status: criteria provided, single submitter. Criteria: Ambry Variant Classification Scheme 2023. Collection method: clinical testing. Allele origin: germline.

Labcorp Genetics (formerly Invitae), Labcorp
Classification: Uncertain significance. Last evaluated: 2024-04-10. Review status: criteria provided, single submitter. Criteria: Invitae Variant Classification Sherloc (09022015). Collection method: clinical testing. Allele origin: germline.
Comment: This sequence change replaces valine, which is neutral and non-polar, with isoleucine, which is neutral and non-polar, at codon 1884 of the ATR protein (p.Val1884Ile). This variant is present in population databases (rs570402298, gnomAD 0.006%). This variant has not been reported in the literature in individuals affected with ATR-related conditions. ClinVar contains an entry for this variant (Variation ID: 1024177). An algorithm developed to predict the effect of missense changes on protein structure and function (PolyPhen-2) suggests that this variant is likely to be tolerated. In summary, the available evidence is currently insufficient to determine the role of this variant in disease. Therefore, it has been classified as a Variant of Uncertain Significance.

NM_001184.4(ATR):c.5650G>A (p.Val1884Ile)

Gene: ATR (ATR checkpoint kinase; minus strand). Cytogenetic location: 3q23.
Variant type: single nucleotide variant.
Coding change: c.5650G>A on transcript NM_001184.4 (MANE Select); coding-DNA position 5650, G replaced by A.
Protein change: p.Val1884Ile; replaces valine 1884 with isoleucine.
Molecular consequence: missense variant.
Genome position (GRCh38, 1-based): chr3:142,497,101, C>T on the plus strand (G>A on the coding strand, the complement: ATR is on the minus strand). VCF-style: chr3-142497101-C-T. GRCh37 (hg19) VCF-style: chr3-142215943-C-T.
Other names: c.5650G>A (NM_001184.3); c.5458G>A, p.Val1820Ile (NM_001354579.2); short protein forms V1820I, V1884I.
Identifiers: ClinVar variation 1024177 (VCV001024177.9), dbSNP rs570402298, ClinGen allele CA84760962.